The following is an entry in ClinVar:

ClinVar aggregate classification (germline): Pathogenic (1 of 4 stars; one submission).

Conditions:
Hereditary cancer-predisposing syndrome. Also called: Neoplastic Syndromes, Hereditary; Tumor predisposition; Hereditary Cancer Syndrome; Hereditary neoplastic syndrome. Identifiers: Orphanet 140162, MedGen C0027672, MeSH D009386, MONDO:0015356.

Submission:

Ambry Genetics
Classification: Pathogenic for Hereditary cancer-predisposing syndrome. Last evaluated: 2025-12-31. Review status: criteria provided, single submitter. Criteria: Ambry Variant Classification Scheme 2023. Collection method: clinical testing. Allele origin: germline.
Comment: The c.3050delA pathogenic mutation, located in coding exon 9 of the BRCA1 gene, results from a deletion of one nucleotide at nucleotide position 3050, causing a translational frameshift with a predicted alternate stop codon (p.E1017Gfs*7). This variant is considered to be rare based on population cohorts in the Genome Aggregation Database (gnomAD). This alteration is expected to result in loss of function by premature protein truncation or nonsense-mediated mRNA decay. As such, this alteration is interpreted as a disease-causing mutation.

NM_007294.4(BRCA1):c.3050del (p.Glu1017fs)

Gene: BRCA1 (BRCA1 DNA repair associated; minus strand). Cytogenetic location: 17q21.31.
Variant type: Deletion.
Coding change: c.3050del on transcript NM_007294.4 (MANE Select); coding-DNA position 3050, one base deleted (A; older notation c.3050delA).
Protein change: p.Glu1017fs; shifts the reading frame from glutamic acid 1017.
Molecular consequence: frameshift variant. On other transcripts: intron variant (137).
Genome position (GRCh38, 1-based): chr17:43,092,481, T deleted on the plus strand (A on the coding strand, the reverse complement: BRCA1 is on the minus strand). VCF-style (leftmost placement, unchanged base first): chr17-43092480-CT-C. GRCh37 (hg19) VCF-style: chr17-41244497-CT-C.
Other names: c.2837del, p.Glu946fs (NM_001407571.1, NM_001407853.1, NM_001407894.1 and 9 more transcripts); c.3050del, p.Glu1017fs (NM_001407581.1, NM_001407582.1, NM_001407583.1 and 30 more transcripts); c.3047del, p.Glu1016fs (NM_001407587.1, NM_001407590.1, NM_001407591.1 and 22 more transcripts); c.647-1449del (NM_001408467.1, NM_001408459.1, NM_001408455.1 and 11 more transcripts); c.584-1449del (NM_001408475.1); c.710-1449del (NM_001408412.1, NM_001408409.1, NM_001408411.1 and 2 more transcripts); c.452-1449del (NM_001408509.1, NM_001408508.1); c.575-1449del (NM_001408491.1, NM_001408493.1, NM_001408490.1); and 41 more; short protein forms E890fs, E975fs, E1016fs, E849fs, E905fs, E929fs, E946fs, E947fs.
Identifiers: ClinVar variation 4842656 (VCV004842656.1).
Genomic context (GRCh38, chr17:43,092,480, plus strand): 5'-TTTAAAAACATTTTCTCTAATGTTATTACGGCTAATTGTGCTCACTGTACTTGGAATGTT[CT>C]CATTTCCCATTTCTCTTTCAGGTGACATTGAATGTTCCTCAAAGTTTTCCTCTAGCAGAT-3'